The following is an entry in ClinVar:

NM_005902.4(SMAD3):c.1230C>A (p.Val410=)

Gene: SMAD3 (SMAD family member 3; plus strand). Cytogenetic location: 15q22.33.
Variant type: single nucleotide variant.
Coding change: c.1230C>A on transcript NM_005902.4 (MANE Select); coding-DNA position 1230, C replaced by A.
Protein change: p.Val410=; no amino-acid change (valine 410 retained).
Molecular consequence: synonymous variant.
Genome position (GRCh38, 1-based): chr15:67,190,488, C>A. VCF-style: chr15-67190488-C-A. GRCh37 (hg19) VCF-style: chr15-67482826-C-A.
Other names: c.915C>A, p.Val305= (NM_001145102.2, NM_001407016.1); c.1098C>A, p.Val366= (NM_001145103.2, NM_001407012.1); c.645C>A, p.Val215= (NM_001145104.2, NM_001407017.1); c.1341C>A, p.Val447= (NM_001407011.1); c.1092C>A, p.Val364= (NM_001407013.1); c.1083C>A, p.Val361= (NM_001407014.1); c.783C>A, p.Val261= (NM_001407015.1).
Identifiers: ClinVar variation 2447150 (VCV002447150.4), dbSNP rs375738035, ClinGen allele CA272399729.
Genomic context (GRCh38, chr15:67,190,488, plus strand): 5'-CAGTACCCCCTGCTGGATTGAGCTGCACCTGAATGGGCCTTTGCAGTGGCTTGACAAGGT[C>A]CTCACCCAGATGGGCTCCCCAAGCATCCGCTGTTCCAGTGTGTCTTAGAGACATCAAGTA-3'
Protein context (NP_005893.1, residues 400-420): LNGPLQWLDK[Val410=]LTQMGSPSIR

ClinVar aggregate classification (germline): Uncertain significance. Review status: criteria provided, multiple submitters, no conflicts (2 of 4 stars). 2 submissions from 2 submitters: Uncertain significance (2). Last evaluated 2024-09-06.

Conditions:
Familial thoracic aortic aneurysm and aortic dissection (TAAD). Also called: Thoracic aortic aneurysms and dissections. Identifiers: Orphanet 91387, MedGen C4707243, MONDO:0019625.

Allele frequency attached by ClinVar (database versions not stated): gnomAD exomes 0.00001.
gnomAD v4.1: 3 of 1,613,958 alleles (0.00019%); highest among the groups gnomAD compares: Non-Finnish European, 0.00025%; no homozygotes.

Submissions (2):

Labcorp Genetics (formerly Invitae), Labcorp
Classification: Uncertain significance for Familial thoracic aortic aneurysm and aortic dissection. Last evaluated: 2024-09-06. Review status: criteria provided, single submitter. Criteria: Invitae Variant Classification Sherloc (09022015). Collection method: clinical testing. Allele origin: germline.
Comment: This sequence change affects codon 410 of the SMAD3 mRNA. It is a 'silent' change, meaning that it does not change the encoded amino acid sequence of the SMAD3 protein. This variant is not present in population databases (gnomAD no frequency). This variant has not been reported in the literature in individuals affected with SMAD3-related conditions. ClinVar contains an entry for this variant (Variation ID: 2447150). Algorithms developed to predict the effect of sequence changes on RNA splicing suggest that this variant may create or strengthen a splice site. In summary, the available evidence is currently insufficient to determine the role of this variant in disease. Therefore, it has been classified as a Variant of Uncertain Significance.

Ambry Genetics
Classification: Uncertain significance for Familial thoracic aortic aneurysm and aortic dissection. Last evaluated: 2023-02-23. Review status: criteria provided, single submitter. Criteria: Ambry Variant Classification Scheme 2023. Collection method: clinical testing. Allele origin: germline.
Comment: The c.1230C>A variant (also known as p.V410V), located in coding exon 9 of the SMAD3 gene, results from a C to A substitution at nucleotide position 1230. This nucleotide substitution does not change the valine at codon 410. This nucleotide position is not well conserved in available vertebrate species. In silico splice site analysis predicts that this alteration will result in the creation or strengthening of a novel splice donor site. Since supporting evidence is limited at this time, the clinical significance of this alteration remains unclear.